The following is an entry in ClinVar:

ClinVar aggregate classification (germline): Likely benign. Review status: criteria provided, multiple submitters, no conflicts (2 of 4 stars). 3 submissions from 3 submitters: Likely benign (3). Last evaluated 2025-12-01.

Conditions:
DNM2-related disorder. Also called: DNM2-related condition.
Charcot-Marie-Tooth disease dominant intermediate B (CMTDIB). Also called: Charcot-Marie-Tooth disease dominant intermediate 1; CMT DI1; Charcot-Marie-Tooth disease dominant intermediate I; CHARCOT-MARIE-TOOTH NEUROPATHY, DOMINANT INTERMEDIATE B. Identifiers: Orphanet 100044, Orphanet 228179, MedGen C1847902, MONDO:0011674, OMIM 606482.

Allele frequency attached by ClinVar (database versions not stated): ExAC 0.00002; gnomAD exomes 0.00002 and 0.00003; gnomAD 0.00003; TOPMed 0.00004.
gnomAD v4.1: 38 of 1,613,682 alleles (0.0024%); highest among the groups gnomAD compares: Non-Finnish European, 0.003%; no homozygotes.

Submissions (3):

CeGaT Center for Human Genetics Tuebingen
Classification: Likely benign. Last evaluated: 2025-12-01. Review status: criteria provided, single submitter. Criteria: CeGaT Center For Human Genetics Tuebingen Variant Classification Criteria Version 2. Collection method: clinical testing. Allele origin: germline. Affected: yes. Observed: 1 variant allele.
Comment: DNM2: BP4, BP7

PreventionGenetics, part of Exact Sciences
Classification: Likely benign for DNM2-related condition. Last evaluated: 2025-03-30. Review status: criteria provided, single submitter. Criteria: ACMG Guidelines, 2015. Collection method: clinical testing. Allele origin: germline.
Comment: This variant is classified as likely benign based on ACMG/AMP sequence variant interpretation guidelines (Richards et al. 2015 PMID: 25741868, with internal and published modifications).

Labcorp Genetics (formerly Invitae), Labcorp
Classification: Likely benign for Charcot-Marie-Tooth disease dominant intermediate B. Last evaluated: 2025-02-10. Review status: criteria provided, single submitter. Criteria: Invitae Variant Classification Sherloc (09022015). Collection method: clinical testing. Allele origin: germline.

NM_001005361.3(DNM2):c.1839G>T (p.Val613=)

Gene: DNM2 (dynamin 2; plus strand). Cytogenetic location: 19p13.2.
Variant type: single nucleotide variant.
Coding change: c.1839G>T on transcript NM_001005361.3 (MANE Select); coding-DNA position 1839, G replaced by T.
Protein change: p.Val613=; no amino-acid change (valine 613 retained).
Molecular consequence: synonymous variant.
Genome position (GRCh38, 1-based): chr19:10,823,845, G>T. VCF-style: chr19-10823845-G-T. GRCh37 (hg19) VCF-style: chr19-10934521-G-T.
Other names: c.1839G>T, p.Val613= (NM_001005360.3, NM_001190716.2); c.1827G>T, p.Val609= (NM_001005362.3, NM_004945.4); c.1839G>T (NM_001005360.2).
Identifiers: ClinVar variation 1113062 (VCV001113062.15), dbSNP rs200146468, ClinGen allele CA9201418.
Genomic context (GRCh38, chr19:10,823,845, plus strand): 5'-CAGAAACGTCTACAAGGACCTGCGGCAGATCGAGCTGGCCTGTGACTCCCAGGAAGACGT[G>T]GACAGCTGGAAGGCCTCGTTCCTCCGAGCTGGCGTCTACCCCGAGAAGGACCAGGTGAGG-3'
Protein context (NP_001005361.1, residues 603-623): IELACDSQED[Val613=]DSWKASFLRA